The following is an entry in ClinVar:

NM_015100.4(POGZ):c.83C>T (p.Ser28Phe)

Gene: POGZ (pogo transposable element derived with ZNF domain; minus strand). Cytogenetic location: 1q21.3.
Variant type: single nucleotide variant.
Coding change: c.83C>T on transcript NM_015100.4 (MANE Select); coding-DNA position 83, C replaced by T.
Protein change: p.Ser28Phe; replaces serine 28 with phenylalanine.
Molecular consequence: missense variant.
Genome position (GRCh38, 1-based): chr1:151,442,122, G>A on the plus strand (C>T on the coding strand, the complement: POGZ is on the minus strand). VCF-style: chr1-151442122-G-A. GRCh37 (hg19) VCF-style: chr1-151414598-G-A.
Other names: c.83C>T, p.Ser28Phe (NM_001194937.2, NM_001194938.2, NM_145796.4 and 1 more transcripts); short protein forms S28F.
Identifiers: ClinVar variation 1030409 (VCV001030409.1), dbSNP rs1439970488, ClinGen allele CA341986032.

ClinVar aggregate classification (germline): Uncertain significance (1 of 4 stars; one submission).

Conditions:
Intellectual disability-microcephaly-strabismus-behavioral abnormalities syndrome. Also called: White-Sutton Syndrome. Identifiers: Orphanet 468678, MedGen C4225351, MONDO:0014606, OMIM 616364.

Submission:

Baylor Genetics
Classification: Uncertain significance for Intellectual disability-microcephaly-strabismus-behavioral abnormalities syndrome. Last evaluated: 2020-02-05. Review status: criteria provided, single submitter. Criteria: ACMG Guidelines, 2015. Collection method: clinical testing. Allele origin: unknown. Affected: yes.
Comment: This variant was determined to be of uncertain significance according to ACMG Guidelines, 2015 [PMID:25741868].